The following is an entry in ClinVar:

ClinVar aggregate classification (germline): Uncertain significance (1 of 4 stars; one submission).

Conditions:
Mevalonic aciduria (MEVA). Identifiers: Orphanet 29, MedGen C1959626, MONDO:0012481, OMIM 610377.
Porokeratosis 3, disseminated superficial actinic type (POROK3). Also called: POROKERATOSIS 3, MULTIPLE TYPES; POROKERATOSIS 3, MIBELLI TYPE; POROKERATOSIS, DISSEMINATED SUPERFICIAL ACTINIC, 1. Identifiers: MedGen C1867981, MONDO:0008293, OMIM 175900.
Hyperimmunoglobulin D with periodic fever (HIDS). Also called: HYPERIMMUNOGLOBULINEMIA D AND PERIODIC FEVER SYNDROME; Hyperimmunoglobulinemia D with periodic fever; Hyperimmunoglobulinemia D. Identifiers: Orphanet 343, MedGen C0398691, MONDO:0009849, OMIM 260920.

Submission:

Labcorp Genetics (formerly Invitae), Labcorp
Classification: Uncertain significance for Mevalonic aciduria; Hyperimmunoglobulin D with periodic fever; Porokeratosis 3, disseminated superficial actinic type. Last evaluated: 2026-02-01. Review status: criteria provided, single submitter. Criteria: Invitae Variant Classification Sherloc (09022015). Collection method: clinical testing. Allele origin: germline.
Comment: This sequence change affects codon 176 of the MVK mRNA. It is a 'silent' change, meaning that it does not change the encoded amino acid sequence of the MVK protein. It affects a nucleotide within the consensus splice site. This variant is not present in population databases (gnomAD no frequency). This variant has not been reported in the literature in individuals affected with MVK-related conditions. Algorithms developed to predict the effect of sequence changes on RNA splicing suggest that this variant is not likely to affect RNA splicing. In summary, the available evidence is currently insufficient to determine the role of this variant in disease. Therefore, it has been classified as a Variant of Uncertain Significance.

NM_000431.4(MVK):c.528G>A (p.Arg176=)

Gene: MVK (mevalonate kinase; plus strand). Cytogenetic location: 12q24.11.
Variant type: single nucleotide variant.
Coding change: c.528G>A on transcript NM_000431.4 (MANE Select); coding-DNA position 528, G replaced by A.
Protein change: p.Arg176=; no amino-acid change (arginine 176 retained).
Molecular consequence: synonymous variant. On other transcripts: 5 prime UTR variant (1), non-coding transcript variant (4).
Genome position (GRCh38, 1-based): chr12:109,586,022, G>A. VCF-style: chr12-109586022-G-A. GRCh37 (hg19) VCF-style: chr12-110023827-G-A.
Other names: c.528G>A, p.Arg176= (NM_001114185.3, NM_001414511.1, NM_001414512.1 and 1 more transcripts); c.372G>A, p.Arg124= (NM_001301182.2, NM_001414514.1); c.-55G>A (NM_001414515.1).
Identifiers: ClinVar variation 4794386 (VCV004794386.1).
Genomic context (GRCh38, chr12:109,586,022, plus strand): 5'-TGACCCCTCCCCAGCCCCACTCCTCACTGCCACAGTAAAGATGAACATCTGTGTCTTCAG[G>A]TGGACCAAGGAGGATTTGGAGCTAATTAACAAGTGGGCCTTCCAAGGGGAGAGAATGATT-3'
Protein context (NP_000422.1, residues 166-186): NPLKDGDCVN[Arg176=]WTKEDLELIN